The following is an entry in ClinVar:

NM_000517.6(HBA2):c.242T>G (p.Leu81Arg)

Genes: HBA2 (hemoglobin subunit alpha 2; plus strand), LOC106804612 (hemoglobin subunit alpha 2 recombination region; plus strand). Cytogenetic location: 16p13.3.
Variant type: single nucleotide variant.
Coding change: c.242T>G on transcript NM_000517.6 (MANE Select); coding-DNA position 242, T replaced by G.
Protein change: p.Leu81Arg; replaces leucine 81 with arginine.
Molecular consequence: missense variant.
Genome position (GRCh38, 1-based): chr16:173,271, T>G. VCF-style: chr16-173271-T-G. GRCh37 (hg19) VCF-style: chr16-223270-T-G.
Other names: short protein forms L81R.
Identifiers: ClinVar variation 993412 (VCV000993412.8), dbSNP rs281864863, ClinGen allele CA276414919.

ClinVar aggregate classification (germline): Likely pathogenic (1 of 4 stars; one submission).

Allele frequency attached by ClinVar (database versions not stated): gnomAD exomes below 0.00001.
gnomAD v4.1: 1 of 1,503,876 alleles (0.000066%); highest among the groups gnomAD compares: Non-Finnish European, 0.000089%; no homozygotes.

Submission:

ARUP Laboratories, Molecular Genetics and Genomics, ARUP Laboratories
Classification: Likely pathogenic. Last evaluated: 2019-12-16. Review status: criteria provided, single submitter. Criteria: ARUP Molecular Germline Variant Investigation Process. Collection method: clinical testing. Allele origin: germline.
Comment: The Hb Ann Arbor variant (HBA2: c.242T>G; p.Leu81Arg, also known as Leu80Arg when numbered from the mature protein rs281864863) is reported in the literature in two brothers affected with hemolytic microcytic anemia (Adams 1972, Adams 1974, HbVar database). Both affected brothers carried Hb Ann Arbor in the heterozygous state and were presumed to carry an additional undetermined alpha-thalassemia allele in trans, although this second allele was not determined (Adams 1974). This variant is absent from general population databases (Exome Variant Server, Genome Aggregation Database), indicating it is not a common polymorphism. The affected brothers with Hb Ann Arbor exhibited 10-15% abnormal hemoglobin, while other family members that carried Hb Ann Arbor exhibited 2-5% abnormal hemoglobin (Adams 1974). The proportions of abnormal hemoglobin in heterozygous carriers, heat stability assays, and functional assays of protein synthesis all suggest Hb Ann Arbor is unstable and rapidly degraded (Adams 1972, Adams 1974). Based on available information, this variant is considered to be likely pathogenic. References: Link to Hb Ann Arbor in HbVar database: Adams JG 3rd et al. Biosynthesis of hemoglobin Ann Arbor: evidence for catabolic and feedback regulation. Science. 1972 Jun 30;176(4042):1427-9. Adams JG 3rd. Hemoglobin Ann Arbor: disturbance in the coordinated biosynthesis of globin chains? Ann N Y Acad Sci. 1974 Nov 29;241(0):232-41.